The following is an entry in ClinVar:

NM_025179.4(PLXNA2):c.1541A>G (p.Tyr514Cys)

Gene: PLXNA2 (plexin A2; minus strand). Cytogenetic location: 1q32.2.
Variant type: single nucleotide variant.
Coding change: c.1541A>G on transcript NM_025179.4 (MANE Select); coding-DNA position 1541, A replaced by G.
Protein change: p.Tyr514Cys; replaces tyrosine 514 with cysteine.
Molecular consequence: missense variant.
Genome position (GRCh38, 1-based): chr1:208,103,213, T>C on the plus strand (A>G on the coding strand, the complement: PLXNA2 is on the minus strand). VCF-style: chr1-208103213-T-C. GRCh37 (hg19) VCF-style: chr1-208276558-T-C.
Other names: short protein forms Y514C.
Identifiers: ClinVar variation 5000116 (VCV005000116.1).

ClinVar aggregate classification (germline): Uncertain significance (1 of 4 stars; one submission).

Conditions:
PLXNA2-related disorder. Also called: PLXNA2-related condition.

gnomAD v4.1: 1 of 1,614,154 alleles (0.000062%); highest among the groups gnomAD compares: South Asian, 0.0011%; no homozygotes.

Submission:

PreventionGenetics, part of Exact Sciences
Classification: Uncertain significance for PLXNA2-related condition. Last evaluated: 2025-01-09. Review status: criteria provided, single submitter. Criteria: ACMG Guidelines, 2015. Collection method: clinical testing. Allele origin: germline.
Comment: The PLXNA2 c.1541A>G variant is predicted to result in the amino acid substitution p.Tyr514Cys. To our knowledge, this variant has not been reported in the literature. This variant is reported in 0.0033% of alleles in individuals of South Asian descent in gnomAD. At this time, the clinical significance of this variant is uncertain due to the absence of conclusive functional and genetic evidence.